The following is an entry in ClinVar:

ClinVar aggregate classification (germline): Pathogenic (1 of 4 stars; one submission).

Conditions:
Cohen syndrome (COH1). Also called: Cutis verticis gyrata, retinitis pigmentosa, and sensorineural deafness; PEPPER SYNDROME. Identifiers: Orphanet 193, MedGen C0265223, MONDO:0008999, OMIM 216550.

Submission:

Labcorp Genetics (formerly Invitae), Labcorp
Classification: Pathogenic for Cohen syndrome. Last evaluated: 2025-07-27. Review status: criteria provided, single submitter. Criteria: Invitae Variant Classification Sherloc (09022015). Collection method: clinical testing. Allele origin: germline.
Comment: This sequence change creates a premature translational stop signal (p.Arg2528*) in the VPS13B gene. It is expected to result in an absent or disrupted protein product. Loss-of-function variants in VPS13B are known to be pathogenic (PMID: 15141358, 16648375, 20461111). This variant is not present in population databases (gnomAD no frequency). This variant has not been reported in the literature in individuals affected with VPS13B-related conditions. For these reasons, this variant has been classified as Pathogenic.

Literature cited by the submitters: PubMed 15141358; PubMed 16648375; PubMed 20461111.

NM_152564.5(VPS13B):c.7507A>T (p.Arg2503Ter)

Gene: VPS13B (vacuolar protein sorting 13 homolog B; plus strand). Cytogenetic location: 8q22.2.
Variant type: single nucleotide variant.
Coding change: c.7507A>T on transcript NM_152564.5 (MANE Select); coding-DNA position 7507, A replaced by T.
Protein change: p.Arg2503Ter; replaces arginine 2503 with a stop codon.
Molecular consequence: nonsense.
Genome position (GRCh38, 1-based): chr8:99,778,759, A>T. VCF-style: chr8-99778759-A-T. GRCh37 (hg19) VCF-style: chr8-100790987-A-T.
Other names: c.7582A>T, p.Arg2528Ter (NM_017890.5); short protein forms R2503*, R2528*.
Identifiers: ClinVar variation 4724187 (VCV004724187.1).